The following is an entry in ClinVar:

ClinVar aggregate classification (germline): Benign. Review status: criteria provided, single submitter (1 of 4 stars). 2 submissions from 2 submitters: Benign (1). 1 of the submissions does not count toward it. Last evaluated 2018-08-20.

Conditions:
NCOR1-related disorder. Also called: NCOR1-related condition.

Allele frequency attached by ClinVar (database versions not stated): gnomAD exomes 0.00093 and 0.00264; ExAC 0.00318; gnomAD 0.00903 and 0.00980; 1000 Genomes Project 30x 0.00953; 1000 Genomes Project 0.00958; TOPMed 0.01032; ESP Exome Variant Server 0.01053.
gnomAD v4.1: 2,826 of 1,613,988 alleles (0.18%); highest among the groups gnomAD compares: African/African-American, 3.1%; 41 homozygotes.

Submissions (2):

Labcorp Genetics (formerly Invitae), Labcorp
Classification: Benign. Last evaluated: 2018-08-20. Review status: criteria provided, single submitter. Criteria: Invitae Variant Classification Sherloc (09022015). Collection method: clinical testing. Allele origin: germline.

PreventionGenetics, part of Exact Sciences
Classification: Benign for NCOR1-related condition. Last evaluated: 2019-05-03. Review status: no assertion criteria provided. Collection method: clinical testing. Allele origin: germline. Not counted in ClinVar's aggregate classification.
Comment: This variant is classified as benign based on ACMG/AMP sequence variant interpretation guidelines (Richards et al. 2015 PMID: 25741868, with internal and published modifications).

NM_006311.4(NCOR1):c.3249G>A (p.Val1083=)

Gene: NCOR1 (nuclear receptor corepressor 1; minus strand). Cytogenetic location: 17p12.
Variant type: single nucleotide variant.
Coding change: c.3249G>A on transcript NM_006311.4 (MANE Select); coding-DNA position 3249, G replaced by A.
Protein change: p.Val1083=; no amino-acid change (valine 1083 retained).
Molecular consequence: synonymous variant.
Genome position (GRCh38, 1-based): chr17:16,080,656, C>T on the plus strand (G>A on the coding strand, the complement: NCOR1 is on the minus strand). VCF-style: chr17-16080656-C-T. GRCh37 (hg19) VCF-style: chr17-15983970-C-T.
Other names: c.3297G>A, p.Val1099= (NM_001190440.2).
Identifiers: ClinVar variation 716462 (VCV000716462.5), dbSNP rs76057169, ClinGen allele CA8408800.